The following is an entry in ClinVar:

ClinVar aggregate classification (germline): Uncertain significance (1 of 4 stars; one submission).

Conditions:
Immunodeficiency. Identifiers: MedGen C0021051, MONDO:0021094, HP:0002721.

gnomAD v4.1: 1 of 1,614,174 alleles (0.000062%); highest among the groups gnomAD compares: Non-Finnish European, 0.000085%; no homozygotes.

Submission:

Labcorp Genetics (formerly Invitae), Labcorp
Classification: Uncertain significance for Immunodeficiency. Last evaluated: 2024-10-10. Review status: criteria provided, single submitter. Criteria: Invitae Variant Classification Sherloc (09022015). Collection method: clinical testing. Allele origin: germline.
Comment: This sequence change replaces proline, which is neutral and non-polar, with histidine, which is basic and polar, at codon 1127 of the NFAT5 protein (p.Pro1127His). This variant is not present in population databases (gnomAD no frequency). This variant has not been reported in the literature in individuals affected with NFAT5-related conditions. ClinVar contains an entry for this variant (Variation ID: 1005296). An algorithm developed to predict the effect of missense changes on protein structure and function (PolyPhen-2) suggests that this variant is likely to be disruptive. In summary, the available evidence is currently insufficient to determine the role of this variant in disease. Therefore, it has been classified as a Variant of Uncertain Significance.

NM_138713.4(NFAT5):c.3662C>A (p.Pro1221His)

Gene: NFAT5 (nuclear factor of activated T cells 5; plus strand). Cytogenetic location: 16q22.1.
Variant type: single nucleotide variant.
Coding change: c.3662C>A on transcript NM_138713.4 (MANE Select); coding-DNA position 3662, C replaced by A.
Protein change: p.Pro1221His; replaces proline 1221 with histidine.
Molecular consequence: missense variant.
Genome position (GRCh38, 1-based): chr16:69,693,487, C>A. VCF-style: chr16-69693487-C-A. GRCh37 (hg19) VCF-style: chr16-69727390-C-A.
Other names: c.3659C>A, p.Pro1220His (NM_001113178.3); c.2987C>A, p.Pro996His (NM_001367709.1); c.3608C>A, p.Pro1203His (NM_006599.4); c.3380C>A, p.Pro1127His (NM_138714.4, NM_173214.3, NM_173215.3); short protein forms P1127H, P1203H, P1220H, P1221H, P996H.
Identifiers: ClinVar variation 1005296 (VCV001005296.8), dbSNP rs1003861783, ClinGen allele CA396513510.